The following is an entry in ClinVar:

ClinVar aggregate classification (germline): Uncertain significance. Review status: criteria provided, multiple submitters, no conflicts (2 of 4 stars). 2 submissions from 2 submitters: Uncertain significance (2). Last evaluated 2025-07-10.

Conditions:
Inborn genetic diseases. Identifiers: MedGen C0950123, MeSH D030342.

gnomAD v4.1: 47 of 1,613,824 alleles (0.0029%); highest among the groups gnomAD compares: African/African-American, 0.0053%; no homozygotes.

Submissions (2):

Labcorp Genetics (formerly Invitae), Labcorp
Classification: Uncertain significance. Last evaluated: 2025-07-10. Review status: criteria provided, single submitter. Criteria: Invitae Variant Classification Sherloc (09022015). Collection method: clinical testing. Allele origin: germline.
Comment: This sequence change replaces valine, which is neutral and non-polar, with methionine, which is neutral and non-polar, at codon 1045 of the CDH23 protein (p.Val1045Met). This variant is present in population databases (rs377100683, gnomAD 0.004%). This variant has not been reported in the literature in individuals affected with CDH23-related conditions. ClinVar contains an entry for this variant (Variation ID: 2203637). Invitae Evidence Modeling of protein sequence and biophysical properties (such as structural, functional, and spatial information, amino acid conservation, physicochemical variation, residue mobility, and thermodynamic stability) has been performed for this missense variant. However, the output from this modeling did not meet the statistical confidence thresholds required to predict the impact of this variant on CDH23 protein function. In summary, the available evidence is currently insufficient to determine the role of this variant in disease. Therefore, it has been classified as a Variant of Uncertain Significance.

Ambry Genetics
Classification: Uncertain significance for Inborn genetic diseases. Last evaluated: 2024-09-03. Review status: criteria provided, single submitter. Criteria: Ambry Variant Classification Scheme 2023. Collection method: clinical testing. Allele origin: germline.

NM_022124.6(CDH23):c.3133G>A (p.Val1045Met)

Gene: CDH23 (cadherin related 23; plus strand). Cytogenetic location: 10q22.1.
Variant type: single nucleotide variant.
Coding change: c.3133G>A on transcript NM_022124.6 (MANE Select); coding-DNA position 3133, G replaced by A.
Protein change: p.Val1045Met; replaces valine 1045 with methionine.
Molecular consequence: missense variant.
Genome position (GRCh38, 1-based): chr10:71,709,124, G>A. VCF-style: chr10-71709124-G-A. GRCh37 (hg19) VCF-style: chr10-73468881-G-A.
Other names: c.3133G>A, p.Val1045Met (NM_001171930.2); c.3133G>A (NM_022124.5); short protein forms V1045M.
Identifiers: ClinVar variation 2203637 (VCV002203637.3), dbSNP rs377100683, ClinGen allele CA5544489.